The following is an entry in ClinVar:

NM_001018111.3(PODXL):c.1193G>A (p.Arg398Gln)

Gene: PODXL (podocalyxin like; minus strand). Cytogenetic location: 7q32.3.
Variant type: single nucleotide variant.
Coding change: c.1193G>A on transcript NM_001018111.3 (MANE Select); coding-DNA position 1193, G replaced by A.
Protein change: p.Arg398Gln; replaces arginine 398 with glutamine.
Molecular consequence: missense variant.
Genome position (GRCh38, 1-based): chr7:131,506,635, C>T on the plus strand (G>A on the coding strand, the complement: PODXL is on the minus strand). VCF-style: chr7-131506635-C-T. GRCh37 (hg19) VCF-style: chr7-131191394-C-T.
Other names: c.1097G>A, p.Arg366Gln (NM_005397.4); short protein forms R366Q, R398Q.
Identifiers: ClinVar variation 2258130 (VCV002258130.3), dbSNP rs201911803, ClinGen allele CA4488453.
Genomic context (GRCh38, chr7:131,506,635, plus strand): 5'-TCACTGTGAATAGTGATTTCTTTGACGACCACGGTCTGACTTCCTGGAACAGATGCCAGC[C>T]GTATGCCGCACTTATCTTGGGCCGGGTTGAAGGTGGCTTTGACTGCTCGGCATATCAGTG-3'
Protein context (NP_001018121.1, residues 388-408): FNPAQDKCGI[Arg398Gln]LASVPGSQTV

ClinVar aggregate classification (germline): Conflicting classifications of pathogenicity. Review status: criteria provided, conflicting classifications (1 of 4 stars). 2 submissions from 2 submitters: Uncertain significance (1); Likely benign (1). Last evaluated 2025-07-13.

Conditions:
Inborn genetic diseases. Identifiers: MedGen C0950123, MeSH D030342.

Allele frequency attached by ClinVar (database versions not stated): gnomAD 0.00003; TOPMed 0.00003; ESP Exome Variant Server 0.00008.
gnomAD v4.1: 127 of 1,614,072 alleles (0.0079%); highest among the groups gnomAD compares: East Asian, 0.011%; no homozygotes.

Submissions (2):

Labcorp Genetics (formerly Invitae), Labcorp
Classification: Uncertain significance. Last evaluated: 2025-07-13. Review status: criteria provided, single submitter. Criteria: Invitae Variant Classification Sherloc (09022015). Collection method: clinical testing. Allele origin: germline.
Comment: This sequence change replaces arginine, which is basic and polar, with glutamine, which is neutral and polar, at codon 366 of the PODXL protein (p.Arg366Gln). The frequency data for this variant in the population databases is considered unreliable, as metrics indicate poor data quality at this position in the gnomAD database. This variant has not been reported in the literature in individuals affected with PODXL-related conditions. ClinVar contains an entry for this variant (Variation ID: 2258130). An algorithm developed to predict the effect of missense changes on protein structure and function outputs the following: PolyPhen-2: "Benign". The glutamine amino acid residue is found in multiple mammalian species, which suggests that this missense change does not adversely affect protein function. In summary, the available evidence is currently insufficient to determine the role of this variant in disease. Therefore, it has been classified as a Variant of Uncertain Significance.

Ambry Genetics
Classification: Likely benign for Inborn genetic diseases. Last evaluated: 2022-09-07. Review status: criteria provided, single submitter. Criteria: Ambry Variant Classification Scheme 2023. Collection method: clinical testing. Allele origin: germline.